The following is an entry in ClinVar:

ClinVar aggregate classification (germline): Likely pathogenic (1 of 4 stars; one submission).

Conditions:
Joubert syndrome. Also called: CEREBELLOPARENCHYMAL DISORDER IV; JOUBERT-BOLTSHAUSER SYNDROME; Familial aplasia of the vermis. Identifiers: Orphanet 475, MedGen C5979921, MONDO:0018772.
Meckel-Gruber syndrome. Also called: DYSENCEPHALIA SPLANCHNOCYSTICA; GRUBER SYNDROME; Dysencephalia splachnocystica. Identifiers: Orphanet 564, MedGen C0265215, MONDO:0018921.

Submission:

Labcorp Genetics (formerly Invitae), Labcorp
Classification: Likely pathogenic for Joubert syndrome; Meckel-Gruber syndrome. Last evaluated: 2023-08-08. Review status: criteria provided, single submitter. Criteria: Invitae Variant Classification Sherloc (09022015). Collection method: clinical testing. Allele origin: germline.
Comment: In summary, the currently available evidence indicates that the variant is pathogenic, but additional data are needed to prove that conclusively. Therefore, this variant has been classified as Likely Pathogenic. Algorithms developed to predict the effect of sequence changes on RNA splicing suggest that this variant may disrupt the consensus splice site. This variant has not been reported in the literature in individuals affected with RPGRIP1L-related conditions. This variant is not present in population databases (gnomAD no frequency). This sequence change affects a splice site in intron 2 of the RPGRIP1L gene. It is expected to disrupt RNA splicing. Variants that disrupt the donor or acceptor splice site typically lead to a loss of protein function (PMID: 16199547), and loss-of-function variants in RPGRIP1L are known to be pathogenic (PMID: 17558409).

Literature cited by the submitters: PubMed 16199547; PubMed 17558409.

NM_015272.5(RPGRIP1L):c.85+2del

Gene: RPGRIP1L (RPGRIP1 like; minus strand). Cytogenetic location: 16q12.2.
Variant type: Deletion.
Coding change: c.85+2del on transcript NM_015272.5 (MANE Select); the canonical splice donor site of the intron after coding-DNA position 85, one base deleted (T; older notation c.85+2delT).
Molecular consequence: splice donor variant.
Genome position (GRCh38, 1-based): chr16:53,700,637, A deleted on the plus strand (T on the coding strand, the reverse complement: RPGRIP1L is on the minus strand). VCF-style (leftmost placement, unchanged base first): chr16-53700636-TA-T. GRCh37 (hg19) VCF-style: chr16-53734548-TA-T.
Other names: c.85+2del (NM_001127897.4, NM_001330538.2, NM_001308334.3 and 2 more transcripts).
Identifiers: ClinVar variation 2950810 (VCV002950810.3), dbSNP rs2544810360, ClinGen allele CA2740093386.